The following is an entry in ClinVar:

ClinVar aggregate classification (germline): Uncertain significance (1 of 4 stars; one submission).

Conditions:
Glycogen storage disease IXd (GSD9D). Also called: GSD IXd; Muscle Phosphorylase Kinase Deficiency. Identifiers: Orphanet 715, MedGen C1845151, MONDO:0010362, OMIM 300559.

gnomAD v4.1: 15 of 1,146,658 alleles (0.0013%); highest among the groups gnomAD compares: Non-Finnish European, 0.0018%; no homozygotes.

Submission:

Labcorp Genetics (formerly Invitae), Labcorp
Classification: Uncertain significance for Glycogen storage disease IXd. Last evaluated: 2024-09-04. Review status: criteria provided, single submitter. Criteria: Invitae Variant Classification Sherloc (09022015). Collection method: clinical testing. Allele origin: germline.
Comment: This sequence change replaces histidine, which is basic and polar, with arginine, which is basic and polar, at codon 154 of the PHKA1 protein (p.His154Arg). This variant is present in population databases (no rsID available, gnomAD 0.001%). This variant has not been reported in the literature in individuals affected with PHKA1-related conditions. An algorithm developed to predict the effect of missense changes on protein structure and function (PolyPhen-2) suggests that this variant is likely to be tolerated. In summary, the available evidence is currently insufficient to determine the role of this variant in disease. Therefore, it has been classified as a Variant of Uncertain Significance.

NM_002637.4(PHKA1):c.461A>G (p.His154Arg)

Gene: PHKA1 (phosphorylase kinase regulatory subunit alpha 1; minus strand). Cytogenetic location: Xq13.1.
Variant type: single nucleotide variant.
Coding change: c.461A>G on transcript NM_002637.4 (MANE Select); coding-DNA position 461, A replaced by G.
Protein change: p.His154Arg; replaces histidine 154 with arginine.
Molecular consequence: missense variant.
Genome position (GRCh38, 1-based): chrX:72,684,574, T>C on the plus strand (A>G on the coding strand, the complement: PHKA1 is on the minus strand). VCF-style: chrX-72684574-T-C. GRCh37 (hg19) VCF-style: chrX-71904424-T-C.
Other names: c.461A>G, p.His154Arg (NM_001122670.2, NM_001172436.2, NM_001431068.1); short protein forms H154R.
Identifiers: ClinVar variation 3615191 (VCV003615191.2).